The following is an entry in ClinVar:

NM_006230.4(POLD2):c.422G>A (p.Arg141His)

Gene: POLD2 (DNA polymerase delta 2, accessory subunit; minus strand). Cytogenetic location: 7p13.
Variant type: single nucleotide variant.
Coding change: c.422G>A on transcript NM_006230.4 (MANE Select); coding-DNA position 422, G replaced by A.
Protein change: p.Arg141His; replaces arginine 141 with histidine.
Molecular consequence: missense variant.
Genome position (GRCh38, 1-based): chr7:44,117,663, C>T on the plus strand (G>A on the coding strand, the complement: POLD2 is on the minus strand). VCF-style: chr7-44117663-C-T. GRCh37 (hg19) VCF-style: chr7-44157262-C-T.
Other names: c.422G>A (NM_001127218.1); c.422G>A, p.Arg141His (NM_001127218.3, NM_001256879.2); short protein forms R141H.
Identifiers: ClinVar variation 3665991 (VCV003665991.3).

ClinVar aggregate classification (germline): Uncertain significance. Review status: criteria provided, multiple submitters, no conflicts (2 of 4 stars). 2 submissions from 2 submitters: Uncertain significance (2). Last evaluated 2025-10-14.

Submissions (2):

Labcorp Genetics (formerly Invitae), Labcorp
Classification: Uncertain significance. Last evaluated: 2025-10-14. Review status: criteria provided, single submitter. Criteria: Invitae Variant Classification Sherloc (09022015). Collection method: clinical testing. Allele origin: germline.
Comment: This sequence change replaces arginine, which is basic and polar, with histidine, which is basic and polar, at codon 176 of the POLD2 protein (p.Arg176His). The frequency data for this variant in the population databases is considered unreliable, as metrics indicate poor data quality at this position in the gnomAD database. This variant has not been reported in the literature in individuals affected with POLD2-related conditions. ClinVar contains an entry for this variant (Variation ID: 3665991). Experimental studies and prediction algorithms are not available or were not evaluated, and the functional significance of this variant is currently unknown. In summary, the available evidence is currently insufficient to determine the role of this variant in disease. Therefore, it has been classified as a Variant of Uncertain Significance.

Ambry Genetics
Classification: Uncertain significance. Last evaluated: 2025-09-18. Review status: criteria provided, single submitter. Criteria: Ambry Variant Classification Scheme 2023. Collection method: clinical testing. Allele origin: germline.